The following is an entry in ClinVar:

ClinVar aggregate classification (germline): Uncertain significance (1 of 4 stars; one submission).

Allele frequency attached by ClinVar (database versions not stated): TOPMed below 0.00001.

Submission:

Labcorp Genetics (formerly Invitae), Labcorp
Classification: Uncertain significance. Last evaluated: 2025-10-21. Review status: criteria provided, single submitter. Criteria: Invitae Variant Classification Sherloc (09022015). Collection method: clinical testing. Allele origin: germline.
Comment: This sequence change replaces histidine, which is basic and polar, with glutamine, which is neutral and polar, at codon 711 of the TOP3A protein (p.His711Gln). This variant is not present in population databases (gnomAD no frequency). This variant has not been reported in the literature in individuals affected with TOP3A-related conditions. ClinVar contains an entry for this variant (Variation ID: 2019140). An algorithm developed to predict the effect of missense changes on protein structure and function outputs the following: PolyPhen-2: "Benign". The glutamine amino acid residue is found in multiple mammalian species, which suggests that this missense change does not adversely affect protein function. In summary, the available evidence is currently insufficient to determine the role of this variant in disease. Therefore, it has been classified as a Variant of Uncertain Significance.

NM_004618.5(TOP3A):c.2133C>A (p.His711Gln)

Gene: TOP3A (DNA topoisomerase III alpha; minus strand). Cytogenetic location: 17p11.2.
Variant type: single nucleotide variant.
Coding change: c.2133C>A on transcript NM_004618.5 (MANE Select); coding-DNA position 2133, C replaced by A.
Protein change: p.His711Gln; replaces histidine 711 with glutamine.
Molecular consequence: missense variant.
Genome position (GRCh38, 1-based): chr17:18,280,547, G>T on the plus strand (C>A on the coding strand, the complement: TOP3A is on the minus strand). VCF-style: chr17-18280547-G-T. GRCh37 (hg19) VCF-style: chr17-18183861-G-T.
Other names: c.1848C>A, p.His616Gln (NM_001320759.2); short protein forms H711Q, H616Q.
Identifiers: ClinVar variation 2019140 (VCV002019140.4), dbSNP rs746394071, ClinGen allele CA398626432.